The following is an entry in ClinVar:

ClinVar aggregate classification (germline): Uncertain significance (1 of 4 stars; one submission).

Conditions:
PURA-related severe neonatal hypotonia-seizures-encephalopathy syndrome (NEDRIHF). Also called: NEURODEVELOPMENTAL DISORDER WITH NEONATAL RESPIRATORY INSUFFICIENCY, HYPOTONIA, AND FEEDING DIFFICULTIES; PURA-Related Neurodevelopmental Disorders. Identifiers: Orphanet 438213, Orphanet 438216, MedGen C4015357, MONDO:1060108, OMIM 616158, MONDO:0018580.

Submission:

Labcorp Genetics (formerly Invitae), Labcorp
Classification: Uncertain significance for PURA-related severe neonatal hypotonia-seizures-encephalopathy syndrome. Last evaluated: 2024-05-13. Review status: criteria provided, single submitter. Criteria: Invitae Variant Classification Sherloc (09022015). Collection method: clinical testing. Allele origin: germline.
Comment: This sequence change replaces cysteine, which is neutral and slightly polar, with serine, which is neutral and polar, at codon 292 of the PURA protein (p.Cys292Ser). This variant is not present in population databases (gnomAD no frequency). This variant has not been reported in the literature in individuals affected with PURA-related conditions. Experimental studies and prediction algorithms are not available or were not evaluated, and the functional significance of this variant is currently unknown. In summary, the available evidence is currently insufficient to determine the role of this variant in disease. Therefore, it has been classified as a Variant of Uncertain Significance.

NM_005859.5(PURA):c.875G>C (p.Cys292Ser)

Gene: PURA (purine rich element binding protein A; plus strand). Cytogenetic location: 5q31.3.
Variant type: single nucleotide variant.
Coding change: c.875G>C on transcript NM_005859.5 (MANE Select); coding-DNA position 875, G replaced by C.
Protein change: p.Cys292Ser; replaces cysteine 292 with serine.
Molecular consequence: missense variant.
Genome position (GRCh38, 1-based): chr5:140,115,056, G>C. VCF-style: chr5-140115056-G-C. GRCh37 (hg19) VCF-style: chr5-139494641-G-C.
Other names: short protein forms C292S.
Identifiers: ClinVar variation 2730885 (VCV002730885.3), dbSNP rs2479506331, ClinGen allele CA361491751.
Genomic context (GRCh38, chr5:140,115,056, plus strand): 5'-GCAAGTACTCGGAGGAGATGAAGAAGATTCAAGAGAAGCAGAGGGAGAAGCGGGCTGCCT[G>C]TGAGCAGCTTCACCAGCAGCAACAGCAGCAGCAGGAGGAGACCGCCGCTGCCACCCTGCT-3'
Protein context (NP_005850.1, residues 282-302): QEKQREKRAA[Cys292Ser]EQLHQQQQQQ